The following is an entry in ClinVar:

ClinVar aggregate classification (germline): Benign. Review status: criteria provided, multiple submitters, no conflicts (2 of 4 stars). 3 submissions from 3 submitters: Benign (3). Last evaluated 2026-01-31.

Conditions:
Fraser syndrome 1 (FRASRS1). Also called: CRYPTOPHTHALMOS WITH OTHER MALFORMATIONS. Identifiers: Orphanet 2052, MedGen C4551480, MONDO:0054737, OMIM 219000.

Allele frequency attached by ClinVar (database versions not stated): gnomAD exomes 0.00139 and 0.00316; ExAC 0.00428; 1000 Genomes Project 0.01118; gnomAD 0.01229 and 0.01318; 1000 Genomes Project 30x 0.01234; TOPMed 0.01430; ESP Exome Variant Server 0.01452.
gnomAD v4.1: 3,937 of 1,576,362 alleles (0.25%); highest among the groups gnomAD compares: African/African-American, 4.5%; 105 homozygotes.

Submissions (3):

Labcorp Genetics (formerly Invitae), Labcorp
Classification: Benign. Last evaluated: 2026-01-31. Review status: criteria provided, single submitter. Criteria: Invitae Variant Classification Sherloc (09022015). Collection method: clinical testing. Allele origin: germline.

Illumina Laboratory Services, Illumina
Classification: Benign for Fraser syndrome 1. Last evaluated: 2018-01-12. Review status: criteria provided, single submitter. Criteria: ICSL Variant Classification Criteria 13 December 2019. Collection method: clinical testing. Allele origin: germline.
Comment: This variant was observed in the ICSL laboratory as part of a predisposition screen in an ostensibly healthy population. It had not been previously curated by ICSL or reported in the Human Gene Mutation Database (HGMD: prior to June 1st, 2018), and was therefore a candidate for classification through an automated scoring system. Utilizing variant allele frequency, disease prevalence and penetrance estimates, and inheritance mode, an automated score was calculated to assess if this variant is too frequent to cause the disease. Based on the score and internal cut-off values, a variant classified as benign is not then subjected to further curation. The score for this variant resulted in a classification of benign for this disease.

Breakthrough Genomics
Classification: Benign. Review status: criteria provided, single submitter. Criteria: ACMG Guidelines, 2015. Collection method: not provided. Allele origin: germline. Inheritance: Autosomal recessive inheritance. Affected: yes.

NM_025074.7(FRAS1):c.5208T>C (p.Leu1736=)

Gene: FRAS1 (Fraser extracellular matrix complex subunit 1; plus strand). Cytogenetic location: 4q21.21.
Variant type: single nucleotide variant.
Coding change: c.5208T>C on transcript NM_025074.7 (MANE Select); coding-DNA position 5208, T replaced by C.
Protein change: p.Leu1736=; no amino-acid change (leucine 1736 retained).
Molecular consequence: synonymous variant.
Genome position (GRCh38, 1-based): chr4:78,432,595, T>C. VCF-style: chr4-78432595-T-C. GRCh37 (hg19) VCF-style: chr4-79353749-T-C.
Other names: c.5208T>C, p.Leu1736= (NM_001166133.2).
Identifiers: ClinVar variation 349723 (VCV000349723.15), dbSNP rs35608396, ClinGen allele CA2977444.